The following is an entry in ClinVar:

NM_002474.3(MYH11):c.431G>A (p.Gly144Asp)

Gene: MYH11 (myosin heavy chain 11; minus strand). Cytogenetic location: 16p13.11.
Variant type: single nucleotide variant.
Coding change: c.431G>A on transcript NM_002474.3 (MANE Select); coding-DNA position 431, G replaced by A.
Protein change: p.Gly144Asp; replaces glycine 144 with aspartic acid.
Molecular consequence: missense variant.
Genome position (GRCh38, 1-based): chr16:15,823,326, C>T on the plus strand (G>A on the coding strand, the complement: MYH11 is on the minus strand). VCF-style: chr16-15823326-C-T. GRCh37 (hg19) VCF-style: chr16-15917183-C-T.
Other names: c.431G>A, p.Gly144Asp (NM_001040113.2, NM_001040114.2, NM_022844.3); short protein forms G144D.
Identifiers: ClinVar variation 3075360 (VCV003075360.1), dbSNP rs2043466367, ClinGen allele CA394882411.

ClinVar aggregate classification (germline): Uncertain significance (1 of 4 stars; one submission).

Conditions:
Familial thoracic aortic aneurysm and aortic dissection (TAAD). Also called: Thoracic aortic aneurysms and dissections. Identifiers: Orphanet 91387, MedGen C4707243, MONDO:0019625.

Submission:

All of Us Research Program, National Institutes of Health
Classification: Uncertain significance for Familial thoracic aortic aneurysm and aortic dissection. Last evaluated: 2024-01-11. Review status: criteria provided, single submitter. Criteria: ACMG Guidelines, 2015. Collection method: clinical testing. Allele origin: germline. Inheritance: Autosomal dominant inheritance. Observed: 1 variant allele, 1 heterozygote.
Comment: This study involves interpretation of variants in research participants for the purpose of population health screening. Participant phenotype was not available at the time of variant classification. Additional details can be found in publication PMID: 35346344, PMCID: PMC8962531